The following is an entry in ClinVar:

ClinVar aggregate classification (germline): Likely benign. Review status: criteria provided, multiple submitters, no conflicts (2 of 4 stars). 2 submissions from 2 submitters: Likely benign (2). Last evaluated 2022-06-16.

Allele frequency attached by ClinVar (database versions not stated): ExAC 0.00001; gnomAD exomes 0.00001; TOPMed 0.00001.
gnomAD v4.1: 9 of 1,614,002 alleles (0.00056%); highest among the groups gnomAD compares: East Asian, 0.0022%; no homozygotes.

Submissions (2):

Blueprint Genetics
Classification: Likely benign. Last evaluated: 2022-06-16. Review status: criteria provided, single submitter. Criteria: ACMG Guidelines, 2015. Collection method: clinical testing. Allele origin: germline.

GeneDx
Classification: Likely benign. Last evaluated: 2016-03-01. Review status: criteria provided, single submitter. Criteria: GeneDx Variant Classification (06012015). Collection method: clinical testing. Allele origin: germline. Affected: yes.
Comment: This variant is considered likely benign or benign based on one or more of the following criteria: it is a conservative change, it occurs at a poorly conserved position in the protein, it is predicted to be benign by multiple in silico algorithms, and/or has population frequency not consistent with disease.

NM_002397.5(MEF2C):c.132G>A (p.Ala44=)

Gene: MEF2C (myocyte enhancer factor 2C; minus strand). Cytogenetic location: 5q14.3.
Variant type: single nucleotide variant.
Coding change: c.132G>A on transcript NM_002397.5 (MANE Select); coding-DNA position 132, G replaced by A.
Protein change: p.Ala44=; no amino-acid change (alanine 44 retained).
Molecular consequence: synonymous variant.
Genome position (GRCh38, 1-based): chr5:88,804,724, C>T on the plus strand (G>A on the coding strand, the complement: MEF2C is on the minus strand). VCF-style: chr5-88804724-C-T. GRCh37 (hg19) VCF-style: chr5-88100541-C-T.
Other names: c.132G>A, p.Ala44= (NM_001131005.2, NM_001193347.1, NM_001193348.1 and 29 more transcripts).
Identifiers: ClinVar variation 383892 (VCV000383892.2), dbSNP rs776920242, ClinGen allele CA3337375.